The following is an entry in ClinVar:

NM_001363118.2(SLC52A2):c.496G>A (p.Gly166Ser)

Gene: SLC52A2 (solute carrier family 52 member 2; plus strand). Cytogenetic location: 8q24.3.
Variant type: single nucleotide variant.
Coding change: c.496G>A on transcript NM_001363118.2 (MANE Select); coding-DNA position 496, G replaced by A.
Protein change: p.Gly166Ser; replaces glycine 166 with serine.
Molecular consequence: missense variant. On other transcripts: non-coding transcript variant (1), intron variant (1).
Genome position (GRCh38, 1-based): chr8:144,359,988, G>A. VCF-style: chr8-144359988-G-A. GRCh37 (hg19) VCF-style: chr8-145583648-G-A.
Other names: c.496G>A, p.Gly166Ser (NM_001253815.2, NM_001253816.2, NM_001363120.2 and 2 more transcripts); c.232G>A, p.Gly78Ser (NM_001410949.1); c.131-127G>A (NM_001363122.2); short protein forms G166S, G78S.
Identifiers: ClinVar variation 1744456 (VCV001744456.2), dbSNP rs1554854006, ClinGen allele CA372627277.

ClinVar aggregate classification (germline): Uncertain significance (1 of 4 stars; one submission).

Conditions:
Inborn genetic diseases. Identifiers: MedGen C0950123, MeSH D030342.

Allele frequency attached by ClinVar (database versions not stated): gnomAD exomes 0.00001.

Submission:

Ambry Genetics
Classification: Uncertain significance for Inborn genetic diseases. Last evaluated: 2020-05-14. Review status: criteria provided, single submitter. Criteria: Ambry Variant Classification Scheme 2023. Collection method: clinical testing. Allele origin: germline.
Comment: The p.G166S variant (also known as c.496G>A), located in coding exon 2 of the SLC52A2 gene, results from a G to A substitution at nucleotide position 496. The glycine at codon 166 is replaced by serine, an amino acid with similar properties. This amino acid position is highly conserved in available vertebrate species. In addition, this alteration is predicted to be deleterious by in silico analysis. Since supporting evidence is limited at this time, the clinical significance of this alteration remains unclear.